The following is an entry in ClinVar:

ClinVar aggregate classification (germline): Uncertain significance (1 of 4 stars; one submission).

Conditions:
Inborn genetic diseases. Identifiers: MedGen C0950123, MeSH D030342.

Submission:

Ambry Genetics
Classification: Uncertain significance for Inborn genetic diseases. Last evaluated: 2025-01-27. Review status: criteria provided, single submitter. Criteria: Ambry Variant Classification Scheme 2023. Collection method: clinical testing. Allele origin: germline.
Comment: The p.L52V variant (also known as c.154C>G), located in coding exon 1 of the CEBPA gene, results from a C to G substitution at nucleotide position 154. The leucine at codon 52 is replaced by valine, an amino acid with highly similar properties. This amino acid position is conserved. In addition, this alteration is predicted to be tolerated by in silico analysis. Based on the available evidence, the clinical significance of this variant remains unclear.

NM_004364.5(CEBPA):c.154C>G (p.Leu52Val)

Gene: CEBPA (CCAAT enhancer binding protein alpha; minus strand). Cytogenetic location: 19q13.11.
Variant type: single nucleotide variant.
Coding change: c.154C>G on transcript NM_004364.5 (MANE Select); coding-DNA position 154, C replaced by G.
Protein change: p.Leu52Val; replaces leucine 52 with valine.
Molecular consequence: missense variant. On other transcripts: 5 prime UTR variant (1).
Genome position (GRCh38, 1-based): chr19:33,302,261, G>C on the plus strand (C>G on the coding strand, the complement: CEBPA is on the minus strand). VCF-style: chr19-33302261-G-C. GRCh37 (hg19) VCF-style: chr19-33793167-G-C.
Other names: c.-204C>G (NM_001285829.2); c.259C>G, p.Leu87Val (NM_001287424.2); c.112C>G, p.Leu38Val (NM_001287435.2); short protein forms L87V, L38V, L52V.
Identifiers: ClinVar variation 3831185 (VCV003831185.1).